The following is an entry in ClinVar:

NM_021020.5(LZTS1):c.1059G>A (p.Met353Ile)

Gene: LZTS1 (leucine zipper tumor suppressor 1; minus strand). Cytogenetic location: 8p21.3.
Variant type: single nucleotide variant.
Coding change: c.1059G>A on transcript NM_021020.5 (MANE Select); coding-DNA position 1059, G replaced by A.
Protein change: p.Met353Ile; replaces methionine 353 with isoleucine.
Molecular consequence: missense variant.
Genome position (GRCh38, 1-based): chr8:20,252,872, C>T on the plus strand (G>A on the coding strand, the complement: LZTS1 is on the minus strand). VCF-style: chr8-20252872-C-T. GRCh37 (hg19) VCF-style: chr8-20110383-C-T.
Other names: c.1059G>A, p.Met353Ile (NM_001362884.2); short protein forms M353I.
Identifiers: ClinVar variation 3719019 (VCV003719019.2).

ClinVar aggregate classification (germline): Uncertain significance (1 of 4 stars; one submission).

gnomAD v4.1: 14 of 1,611,270 alleles (0.00087%); highest among the groups gnomAD compares: Non-Finnish European, 0.0012%; no homozygotes.

Submission:

Labcorp Genetics (formerly Invitae), Labcorp
Classification: Uncertain significance. Last evaluated: 2025-07-31. Review status: criteria provided, single submitter. Criteria: Invitae Variant Classification Sherloc (09022015). Collection method: clinical testing. Allele origin: germline.
Comment: This sequence change replaces methionine, which is neutral and non-polar, with isoleucine, which is neutral and non-polar, at codon 353 of the LZTS1 protein (p.Met353Ile). This variant is not present in population databases (gnomAD no frequency). This variant has not been reported in the literature in individuals affected with LZTS1-related conditions. ClinVar contains an entry for this variant (Variation ID: 3719019). Invitae Evidence Modeling of protein sequence and biophysical properties (such as structural, functional, and spatial information, amino acid conservation, physicochemical variation, residue mobility, and thermodynamic stability) indicates that this missense variant is not expected to disrupt LZTS1 protein function with a negative predictive value of 80%. In summary, the available evidence is currently insufficient to determine the role of this variant in disease. Therefore, it has been classified as a Variant of Uncertain Significance.